The following is an entry in ClinVar:

NM_181458.4(PAX3):c.19G>T (p.Ala7Ser)

Genes: CCDC140 (CCDC140 long non-coding RNA; plus strand), PAX3 (paired box 3; minus strand). Cytogenetic location: 2q36.1.
Variant type: single nucleotide variant.
Coding change: c.19G>T on transcript NM_181458.4 (MANE Select); coding-DNA position 19, G replaced by T.
Protein change: p.Ala7Ser; replaces alanine 7 with serine.
Molecular consequence: missense variant.
Genome position (GRCh38, 1-based): chr2:222,298,597, C>A on the plus strand (G>T on the coding strand, the complement: PAX3 is on the minus strand). VCF-style: chr2-222298597-C-A. GRCh37 (hg19) VCF-style: chr2-223163316-C-A.
Other names: c.19G>T (NM_181457.3); c.19G>T, p.Ala7Ser (NM_000438.6, NM_001127366.3, NM_013942.5 and 4 more transcripts); short protein forms A7S.
Identifiers: ClinVar variation 2919319 (VCV002919319.6), dbSNP rs778065633, ClinGen allele CA2135834.

ClinVar aggregate classification (germline): Uncertain significance. Review status: criteria provided, multiple submitters, no conflicts (2 of 4 stars). 4 submissions from 4 submitters: Uncertain significance (4). Last evaluated 2026-09-11.

Conditions:
PAX3-related disorder. Also called: PAX3-related condition.

Allele frequency attached by ClinVar (database versions not stated): gnomAD 0.00001; ExAC 0.00002; TOPMed 0.00002; gnomAD exomes 0.00003.
gnomAD v4.1: 48 of 1,606,696 alleles (0.003%); highest among the groups gnomAD compares: Non-Finnish European, 0.0041%; no homozygotes.

Submissions (4):

PreventionGenetics, part of Exact Sciences
Classification: Uncertain significance for PAX3-related condition. Last evaluated: 2026-09-11. Review status: criteria provided, single submitter. Criteria: ACMG Guidelines, 2015. Collection method: clinical testing. Allele origin: germline.
Comment: The PAX3 c.19G>T variant is predicted to result in the amino acid substitution p.Ala7Ser. To our knowledge, this variant has not been reported in the literature. This variant is reported in 0.0039% of alleles in individuals of European (Non-Finnish) descent in gnomAD. At this time, the clinical significance of this variant is uncertain due to the absence of conclusive functional and genetic evidence.

Women's Health and Genetics/Laboratory Corporation of America, LabCorp
Classification: Uncertain significance. Last evaluated: 2025-06-02. Review status: criteria provided, single submitter. Criteria: LabCorp Variant Classification Summary - May 2015. Collection method: clinical testing. Allele origin: germline.
Comment: Variant summary: PAX3 c.19G>T (p.Ala7Ser) results in a conservative amino acid change in the encoded protein sequence. Algorithms developed to predict the effect of missense changes on protein structure and function are either unavailable or do not agree on the potential impact of this missense change. The variant allele was found at a frequency of 1.7e-05 in 229148 control chromosomes. The available data on variant occurrences in the general population are insufficient to allow any conclusion about variant significance. To our knowledge, no occurrence of c.19G>T in individuals affected with Waardenburg Syndrome Type 1 and no experimental evidence demonstrating its impact on protein function have been reported. ClinVar contains an entry for this variant (Variation ID: 2919319). Based on the evidence outlined above, the variant was classified as uncertain significance.

GeneDx
Classification: Uncertain significance. Last evaluated: 2024-12-19. Review status: criteria provided, single submitter. Criteria: GeneDx Variant Classification Process June 2021. Collection method: clinical testing. Allele origin: germline. Affected: yes.
Comment: In silico analysis indicates that this missense variant does not alter protein structure/function; Has not been previously published as pathogenic or benign to our knowledge

Labcorp Genetics (formerly Invitae), Labcorp
Classification: Uncertain significance. Last evaluated: 2023-08-18. Review status: criteria provided, single submitter. Criteria: Invitae Variant Classification Sherloc (09022015). Collection method: clinical testing. Allele origin: germline.
Comment: The frequency data for this variant in the population databases is considered unreliable, as metrics indicate poor data quality at this position in the gnomAD database. In summary, the available evidence is currently insufficient to determine the role of this variant in disease. Therefore, it has been classified as a Variant of Uncertain Significance. An algorithm developed to predict the effect of missense changes on protein structure and function (PolyPhen-2) suggests that this variant is likely to be tolerated. This variant has not been reported in the literature in individuals affected with PAX3-related conditions. This sequence change replaces alanine, which is neutral and non-polar, with serine, which is neutral and polar, at codon 7 of the PAX3 protein (p.Ala7Ser).